The following is an entry in ClinVar:

ClinVar aggregate classification (germline): Uncertain significance (1 of 4 stars; one submission).

Submission:

Labcorp Genetics (formerly Invitae), Labcorp
Classification: Uncertain significance. Last evaluated: 2022-10-24. Review status: criteria provided, single submitter. Criteria: Invitae Variant Classification Sherloc (09022015). Collection method: clinical testing. Allele origin: germline.
Comment: This variant is not present in population databases (gnomAD no frequency). In summary, the available evidence is currently insufficient to determine the role of this variant in disease. Therefore, it has been classified as a Variant of Uncertain Significance. Advanced modeling of protein sequence and biophysical properties (such as structural, functional, and spatial information, amino acid conservation, physicochemical variation, residue mobility, and thermodynamic stability) performed at Invitae indicates that this missense variant is expected to disrupt PDHX protein function. ClinVar contains an entry for this variant (Variation ID: 1460877). This variant has not been reported in the literature in individuals affected with PDHX-related conditions. This sequence change replaces alanine, which is neutral and non-polar, with glycine, which is neutral and non-polar, at codon 336 of the PDHX protein (p.Ala336Gly).

NM_003477.3(PDHX):c.1007C>G (p.Ala336Gly)

Gene: PDHX (pyruvate dehydrogenase complex component X; plus strand). Cytogenetic location: 11p13.
Variant type: single nucleotide variant.
Coding change: c.1007C>G on transcript NM_003477.3 (MANE Select); coding-DNA position 1007, C replaced by G.
Protein change: p.Ala336Gly; replaces alanine 336 with glycine.
Molecular consequence: missense variant. On other transcripts: intron variant (1).
Genome position (GRCh38, 1-based): chr11:34,978,166, C>G. VCF-style: chr11-34978166-C-G. GRCh37 (hg19) VCF-style: chr11-34999713-C-G.
Other names: c.827C>G, p.Ala276Gly (NM_001135024.2); c.343-6404C>G (NM_001166158.2); short protein forms A276G, A336G.
Identifiers: ClinVar variation 1460877 (VCV001460877.6), dbSNP rs770848200, ClinGen allele CA380122638.